The following is an entry in ClinVar:

ClinVar aggregate classification (germline): Likely pathogenic (1 of 4 stars; one submission).

Conditions:
HYPERHOMOCYSTEINEMIA, THROMBOTIC, CBS-RELATED. Identifiers: MedGen C3150344, OMIM 236200.

Allele frequency attached by ClinVar (database versions not stated): ExAC 0.00001.

Submission:

Labcorp Genetics (formerly Invitae), Labcorp
Classification: Likely pathogenic for HYPERHOMOCYSTEINEMIA, THROMBOTIC, CBS-RELATED. Last evaluated: 2026-01-18. Review status: criteria provided, single submitter. Criteria: Invitae Variant Classification Sherloc (09022015). Collection method: clinical testing. Allele origin: germline.
Comment: This sequence change falls in intron 11 of the CBS gene. It does not directly change the encoded amino acid sequence of the CBS protein. It affects a nucleotide within the consensus splice site. This variant is present in population databases (rs777956934, gnomAD 0.002%). This variant has been observed in individual(s) with classic homocystinuria (internal data). In at least one individual the data is consistent with being in trans (on the opposite chromosome) from a pathogenic variant. ClinVar contains an entry for this variant (Variation ID: 1066788). Variants that disrupt the consensus splice site are a relatively common cause of aberrant splicing (PMID: 17576681, 9536098). Algorithms developed to predict the effect of sequence changes on RNA splicing suggest that this variant may disrupt the consensus splice site. In summary, the currently available evidence indicates that the variant is pathogenic, but additional data are needed to prove that conclusively. Therefore, this variant has been classified as Likely Pathogenic.

Literature cited by the submitters: PubMed 17576681; PubMed 9536098.

NM_000071.3(CBS):c.1039+5G>C

Gene: CBS (cystathionine beta-synthase; minus strand). Cytogenetic location: 21q22.3.
Variant type: single nucleotide variant.
Coding change: c.1039+5G>C on transcript NM_000071.3 (MANE Select); 5 bases into the intron after coding-DNA position 1039, G replaced by C.
Molecular consequence: intron variant.
Genome position (GRCh38, 1-based): chr21:43,062,306, C>G on the plus strand (G>C on the coding strand, the complement: CBS is on the minus strand). VCF-style: chr21-43062306-C-G. GRCh37 (hg19) VCF-style: chr21-44482416-C-G.
Other names: c.1039+5G>C (NM_001320298.2, NM_001178009.3, NM_001178008.3); c.724+5G>C (NM_001321072.1).
Identifiers: ClinVar variation 1066788 (VCV001066788.10), dbSNP rs777956934, ClinGen allele CA321090507.
Genomic context (GRCh38, chr21:43,062,306, plus strand): 5'-GCCATCCCCAGTGCCCCCTAGCCATCTCTGCCTTCCCCATACCCCCGTGCCCGCCACCCA[C>G]TCACCGCACAGCAGCCCCTCTTGCGCGATCAGCATGCGGGCAAAGGTGAACGCCTCCTCA-3'